The following is an entry in ClinVar:

NM_002029.4(FPR1):c.886C>T (p.Leu296Phe)

Gene: FPR1 (formyl peptide receptor 1; minus strand). Cytogenetic location: 19q13.41.
Variant type: single nucleotide variant.
Coding change: c.886C>T on transcript NM_002029.4 (MANE Select); coding-DNA position 886, C replaced by T.
Protein change: p.Leu296Phe; replaces leucine 296 with phenylalanine.
Molecular consequence: missense variant.
Genome position (GRCh38, 1-based): chr19:51,746,109, G>A on the plus strand (C>T on the coding strand, the complement: FPR1 is on the minus strand). VCF-style: chr19-51746109-G-A. GRCh37 (hg19) VCF-style: chr19-52249362-G-A.
Other names: c.886C>T, p.Leu296Phe (NM_001193306.2); short protein forms L296F.
Identifiers: ClinVar variation 4704392 (VCV004704392.1).

ClinVar aggregate classification (germline): Uncertain significance (1 of 4 stars; one submission).

Conditions:
Gingival disorder. Also called: Gingival disease. Identifiers: MedGen C0017563, MONDO:0002021.

gnomAD v4.1: 9 of 1,614,066 alleles (0.00056%); highest among the groups gnomAD compares: East Asian, 0.0089%; no homozygotes.

Submission:

Labcorp Genetics (formerly Invitae), Labcorp
Classification: Uncertain significance for Gingival disorder. Last evaluated: 2025-05-26. Review status: criteria provided, single submitter. Criteria: Invitae Variant Classification Sherloc (09022015). Collection method: clinical testing. Allele origin: germline.
Comment: This sequence change replaces leucine, which is neutral and non-polar, with phenylalanine, which is neutral and non-polar, at codon 296 of the FPR1 protein (p.Leu296Phe). This variant is present in population databases (rs767891260, gnomAD 0.002%). This variant has not been reported in the literature in individuals affected with FPR1-related conditions. An algorithm developed to predict the effect of missense changes on protein structure and function (PolyPhen-2) suggests that this variant is likely to be disruptive. In summary, the available evidence is currently insufficient to determine the role of this variant in disease. Therefore, it has been classified as a Variant of Uncertain Significance.